The following is an entry in ClinVar:

NM_001267550.2(TTN):c.75250C>T (p.Arg25084Ter)

Genes: TTN-AS1 (TTN antisense RNA 1; plus strand), TTN (titin; minus strand). Cytogenetic location: 2q31.2.
Variant type: single nucleotide variant.
Coding change: c.75250C>T on transcript NM_001267550.2 (MANE Select); coding-DNA position 75250, C replaced by T.
Protein change: p.Arg25084Ter; replaces arginine 25084 with a stop codon.
Molecular consequence: nonsense.
Genome position (GRCh38, 1-based): chr2:178,570,882, G>A on the plus strand (C>T on the coding strand, the complement: TTN is on the minus strand). VCF-style: chr2-178570882-G-A. GRCh37 (hg19) VCF-style: chr2-179435609-G-A.
Other names: p.R23443*:CGA>TGA; c.70327C>T, p.Arg23443Ter (NM_001256850.1); c.48055C>T, p.Arg16019Ter (NM_003319.4); c.67546C>T, p.Arg22516Ter (NM_133378.4); c.48430C>T, p.Arg16144Ter (NM_133432.3); c.48631C>T, p.Arg16211Ter (NM_133437.4); short protein forms R23443*, R25084*, R16019*, R16144*, R16211*, R22516*.
Identifiers: ClinVar variation 202406 (VCV000202406.16), dbSNP rs794729286, ClinGen allele CA309315.

ClinVar aggregate classification (germline): Pathogenic/Likely pathogenic. Review status: criteria provided, multiple submitters, no conflicts (2 of 4 stars). 5 submissions from 5 submitters: Pathogenic (1); Likely pathogenic (3). 1 of the submissions does not count toward it. Last evaluated 2026-02-24.

Conditions:
TTN-related disorder. Also called: TTN-related disorders; TTN-related condition; TTN-related disease.
Cardiovascular phenotype. Identifiers: MedGen CN230736.
Dilated cardiomyopathy 1G (CMD1G). Identifiers: Orphanet 154, MedGen C1858763, MONDO:0011400, OMIM 604145.
Autosomal recessive limb-girdle muscular dystrophy type 2J (LGMDR10). Also called: MUSCULAR DYSTROPHY, LIMB-GIRDLE, AUTOSOMAL RECESSIVE 10; Limb-girdle muscular dystrophy, type 2J. Identifiers: Orphanet 140922, MedGen C1837342, MONDO:0012127, OMIM 608807.

gnomAD v4.1: 1 of 1,613,394 alleles (0.000062%); highest among the groups gnomAD compares: Non-Finnish European, 0.000085%; no homozygotes.

Submissions (5):

Ambry Genetics
Classification: Likely pathogenic for Cardiovascular phenotype. Last evaluated: 2026-02-24. Review status: criteria provided, single submitter. Criteria: Ambry Variant Classification Scheme 2023. Collection method: clinical testing. Allele origin: germline.
Comment: The p.R16019* variant (also known as c.48055C>T), located in coding exon 153 of the TTN gene, results from a C to T substitution at nucleotide position 48055. This changes the amino acid from an arginine to a stop codon within coding exon 153. This exon is located in the A-band region of the N2-B isoform of the titin protein and is constitutively expressed in TTN transcripts (percent spliced in or PSI 100%). This variant (referred to as NM_133378.4:c.67546C>T, p.R22516*) has been detected in an individual with unknown cardiomyopathy; however, clinical details were limited, and additional cardiac variants were detected (van Lint FHM et al. Neth Heart J, 2019 Jun;27:304-309). This variant was also reported in individual(s) with dilated cardiomyopathy (Ambry internal data). This variant is considered to be rare based on population cohorts in the Genome Aggregation Database (gnomAD). This variant is expected to result in loss of function by premature protein truncation or nonsense-mediated mRNA decay. While truncating variants in TTN are present in 1-3% of the general population, truncating variants in the A-band are the most common cause of dilated cardiomyopathy (Herman DS et al. N. Engl. J. Med., 2012 Feb;366:619-28; Roberts AM et al. Sci Transl Med, 2015 Jan;7:270ra6). TTN truncating variants encoded in constitutive exons (PSI >90%) have been found to be significantly associated with DCM regardless of their position in titin (Schafer S et al. Nat. Genet., 2017 01;49:46-53; Akhtar MM et al. Circ Heart Fail, 2020 Oct;13:e006832; Massier M et al. Clin Genet, 2025 Jan). Based on the majority of available evidence to date, this variant is likely to be pathogenic.

Labcorp Genetics (formerly Invitae), Labcorp
Classification: Likely pathogenic for Dilated cardiomyopathy 1G; Autosomal recessive limb-girdle muscular dystrophy type 2J. Last evaluated: 2025-06-07. Review status: criteria provided, single submitter. Criteria: Invitae Variant Classification Sherloc (09022015). Collection method: clinical testing. Allele origin: germline.
Comment: This sequence change creates a premature translational stop signal (p.Arg25084*) in the TTN gene. While this is not anticipated to result in nonsense mediated decay, it is expected to create a truncated TTN protein. This variant is not present in population databases (gnomAD no frequency). This premature translational stop signal has been observed in individual(s) with TTN-related conditions (PMID: 30847666, 37652022). This variant is also known as c.67546C>T (p.(Arg22516*). ClinVar contains an entry for this variant (Variation ID: 202406). This variant is located in the A band of TTN (PMID: 25589632). Truncating variants in this region are significantly overrepresented in patients affected with dilated cardiomyopathy (PMID: 25589632). Truncating variants in this region have also been reported in individuals affected with autosomal recessive centronuclear myopathy (PMID: 23975875). In summary, the currently available evidence indicates that the variant is pathogenic, but additional data are needed to prove that conclusively. Therefore, this variant has been classified as Likely Pathogenic.

Blueprint Genetics
Classification: Likely pathogenic for TTN-related disorders. Last evaluated: 2024-11-04. Review status: criteria provided, single submitter. Criteria: ACMG Guidelines, 2015. Collection method: clinical testing. Allele origin: germline. Affected: yes. Observed: 3 variant alleles.

GeneDx
Classification: Pathogenic. Last evaluated: 2013-03-27. Review status: criteria provided, single submitter. Criteria: GeneDx Variant Classification (06012015). Collection method: clinical testing. Allele origin: germline. Affected: yes.
Comment: p.Arg23443Stop (CGA>TGA): c.70327 C>T in exon 276 of the TTN gene (NM_001256850.1). The Arg23443Stop mutation in the TTN gene has not been reported previously as a disease-causing mutation or as a benign polymorphism to our knowledge. Arg23443Stop is predicted to cause loss of normal protein function either due to production of an abnormal, prematurely truncated protein, or by absence of protein product due to nonsense mediated mRNA decay. Other truncating TTN variants have been reported in approximately 3% of control alleles (Herman D et al., 2012). However, Arg23443Stop is located in the A-band region of titin, where the majority of truncating mutations associated with DCM have been reported (Herman D et al., 2012). In summary, Arg23443Stop in the TTN gene is interpreted as a disease-causing mutation. The variant is found in DCM panel(s).

Cardiogenetics and Myogenetics Molecular and Cellular Functional Unit, Aphp Sorbonne University-Hopital Pitie Salpetriere
Classification: Likely pathogenic for Dilated cardiomyopathy 1G. Last evaluated: 2024-01-06. Review status: no assertion criteria provided. Collection method: clinical testing. Allele origin: germline. Affected: yes. Not counted in ClinVar's aggregate classification.

Literature cited by the submitters: PubMed 30847666 (cited by Ambry Genetics and Labcorp Genetics (formerly Invitae), Labcorp); PubMed 37652022 (cited by Labcorp Genetics (formerly Invitae), Labcorp); PubMed 25589632 (cited by Labcorp Genetics (formerly Invitae), Labcorp); PubMed 23975875 (cited by Labcorp Genetics (formerly Invitae), Labcorp).